The following is an entry in ClinVar:

ClinVar aggregate classification (germline): Uncertain significance. Review status: criteria provided, multiple submitters, no conflicts (2 of 4 stars). 2 submissions from 2 submitters: Uncertain significance (2). Last evaluated 2025-05-19.

Conditions:
Inborn genetic diseases. Identifiers: MedGen C0950123, MeSH D030342.

Allele frequency attached by ClinVar (database versions not stated): gnomAD exomes 0.00003; ExAC 0.00003; gnomAD 0.00004.
gnomAD v4.1: 45 of 1,534,906 alleles (0.0029%); highest among the groups gnomAD compares: Non-Finnish European, 0.0038%; no homozygotes.

Submissions (2):

Ambry Genetics
Classification: Uncertain significance for Inborn genetic diseases. Last evaluated: 2025-05-19. Review status: criteria provided, single submitter. Criteria: Ambry Variant Classification Scheme 2023. Collection method: clinical testing. Allele origin: germline.

Labcorp Genetics (formerly Invitae), Labcorp
Classification: Uncertain significance. Last evaluated: 2022-02-24. Review status: criteria provided, single submitter. Criteria: Invitae Variant Classification Sherloc (09022015). Collection method: clinical testing. Allele origin: germline.
Comment: This sequence change replaces proline, which is neutral and non-polar, with leucine, which is neutral and non-polar, at codon 1548 of the COL27A1 protein (p.Pro1548Leu). The frequency data for this variant in the population databases is considered unreliable, as metrics indicate poor data quality at this position in the gnomAD database. This variant has not been reported in the literature in individuals affected with COL27A1-related conditions. Advanced modeling of protein sequence and biophysical properties (such as structural, functional, and spatial information, amino acid conservation, physicochemical variation, residue mobility, and thermodynamic stability) performed at Invitae indicates that this missense variant is not expected to disrupt COL27A1 protein function. In summary, the available evidence is currently insufficient to determine the role of this variant in disease. Therefore, it has been classified as a Variant of Uncertain Significance.

NM_032888.4(COL27A1):c.4643C>T (p.Pro1548Leu)

Gene: COL27A1 (collagen type XXVII alpha 1 chain; plus strand). Cytogenetic location: 9q32.
Variant type: single nucleotide variant.
Coding change: c.4643C>T on transcript NM_032888.4 (MANE Select); coding-DNA position 4643, C replaced by T.
Protein change: p.Pro1548Leu; replaces proline 1548 with leucine.
Molecular consequence: missense variant.
Genome position (GRCh38, 1-based): chr9:114,300,629, C>T. VCF-style: chr9-114300629-C-T. GRCh37 (hg19) VCF-style: chr9-117062909-C-T.
Other names: c.4643C>T (NM_032888.2); short protein forms P1548L.
Identifiers: ClinVar variation 1429821 (VCV001429821.4), dbSNP rs750599765, ClinGen allele CA5203026.